The following is an entry in ClinVar:

ClinVar aggregate classification (germline): Uncertain significance (1 of 4 stars; one submission).

Conditions:
Cardiovascular phenotype. Identifiers: MedGen CN230736.

Allele frequency attached by ClinVar (database versions not stated): gnomAD exomes below 0.00001; gnomAD 0.00001.
gnomAD v4.1: 5 of 1,542,192 alleles (0.00032%); highest among the groups gnomAD compares: East Asian, 0.0025%; no homozygotes.

Submission:

Ambry Genetics
Classification: Uncertain significance for Cardiovascular phenotype. Last evaluated: 2020-01-21. Review status: criteria provided, single submitter. Criteria: Ambry Variant Classification Scheme 2023. Collection method: clinical testing. Allele origin: germline.
Comment: The p.R455Q variant (also known as c.1364G>A), located in coding exon 4 of the JPH2 gene, results from a G to A substitution at nucleotide position 1364. The arginine at codon 455 is replaced by glutamine, an amino acid with highly similar properties. This amino acid position is well conserved in available vertebrate species. In addition, this alteration is predicted to be tolerated by in silico analysis. Since supporting evidence is limited at this time, the clinical significance of this alteration remains unclear.

NM_020433.5(JPH2):c.1364G>A (p.Arg455Gln)

Gene: JPH2 (junctophilin 2; minus strand). Cytogenetic location: 20q13.12.
Variant type: single nucleotide variant.
Coding change: c.1364G>A on transcript NM_020433.5 (MANE Select); coding-DNA position 1364, G replaced by A.
Protein change: p.Arg455Gln; replaces arginine 455 with glutamine.
Molecular consequence: missense variant.
Genome position (GRCh38, 1-based): chr20:44,116,311, C>T on the plus strand (G>A on the coding strand, the complement: JPH2 is on the minus strand). VCF-style: chr20-44116311-C-T. GRCh37 (hg19) VCF-style: chr20-42744951-C-T.
Other names: short protein forms R455Q.
Identifiers: ClinVar variation 520302 (VCV000520302.5), dbSNP rs1216784399, ClinGen allele CA409100779.